The following is an entry in ClinVar:

NM_017654.4(SAMD9):c.868G>T (p.Val290Leu)

Gene: SAMD9 (sterile alpha motif domain containing 9; minus strand). Cytogenetic location: 7q21.2.
Variant type: single nucleotide variant.
Coding change: c.868G>T on transcript NM_017654.4 (MANE Select); coding-DNA position 868, G replaced by T.
Protein change: p.Val290Leu; replaces valine 290 with leucine.
Molecular consequence: missense variant.
Genome position (GRCh38, 1-based): chr7:93,105,230, C>A on the plus strand (G>T on the coding strand, the complement: SAMD9 is on the minus strand). VCF-style: chr7-93105230-C-A. GRCh37 (hg19) VCF-style: chr7-92734543-C-A.
Other names: c.868G>T, p.Val290Leu (NM_001193307.2); short protein forms V290L.
Identifiers: ClinVar variation 1506532 (VCV001506532.6), dbSNP rs139583166, ClinGen allele CA368203560.

ClinVar aggregate classification (germline): Uncertain significance (1 of 4 stars; one submission).

Submission:

Labcorp Genetics (formerly Invitae), Labcorp
Classification: Uncertain significance. Last evaluated: 2021-11-30. Review status: criteria provided, single submitter. Criteria: Invitae Variant Classification Sherloc (09022015). Collection method: clinical testing. Allele origin: germline.
Comment: This variant has not been reported in the literature in individuals affected with SAMD9-related conditions. In summary, the available evidence is currently insufficient to determine the role of this variant in disease. Therefore, it has been classified as a Variant of Uncertain Significance. Algorithms developed to predict the effect of missense changes on protein structure and function are either unavailable or do not agree on the potential impact of this missense change (SIFT: "Deleterious"; PolyPhen-2: "Possibly Damaging"; Align-GVGD: "Class C0"). This variant is not present in population databases (gnomAD no frequency). This sequence change replaces valine, which is neutral and non-polar, with leucine, which is neutral and non-polar, at codon 290 of the SAMD9 protein (p.Val290Leu).